The following is an entry in ClinVar:

NM_001079.4(ZAP70):c.1611G>A (p.Gln537=)

Gene: ZAP70 (zeta chain of T cell receptor associated protein kinase 70; plus strand). Cytogenetic location: 2q11.2.
Variant type: single nucleotide variant.
Coding change: c.1611G>A on transcript NM_001079.4 (MANE Select); coding-DNA position 1611, G replaced by A.
Protein change: p.Gln537=; no amino-acid change (glutamine 537 retained).
Molecular consequence: synonymous variant.
Genome position (GRCh38, 1-based): chr2:97,737,885, G>A. VCF-style: chr2-97737885-G-A. GRCh37 (hg19) VCF-style: chr2-98354348-G-A.
Other names: c.1611G>A, p.Gln537= (NM_001378594.1); c.690G>A, p.Gln230= (NM_207519.2).
Identifiers: ClinVar variation 3354708 (VCV003354708.1).

ClinVar aggregate classification (germline): Likely benign (0 of 4 stars; one submission).

Conditions:
ZAP70-related disorder. Also called: ZAP70-related condition.

gnomAD v4.1: 1 of 1,614,166 alleles (0.000062%); highest among the groups gnomAD compares: South Asian, 0.0011%; no homozygotes.

Submission:

PreventionGenetics, part of Exact Sciences
Classification: Likely benign for ZAP70-related condition. Last evaluated: 2019-09-17. Review status: no assertion criteria provided. Collection method: clinical testing. Allele origin: germline.
Comment: This variant is classified as likely benign based on ACMG/AMP sequence variant interpretation guidelines (Richards et al. 2015 PMID: 25741868, with internal and published modifications).